The following is an entry in ClinVar:

ClinVar aggregate classification (germline): Uncertain significance (1 of 4 stars; one submission).

Submission:

Labcorp Genetics (formerly Invitae), Labcorp
Classification: Uncertain significance. Last evaluated: 2023-07-14. Review status: criteria provided, single submitter. Criteria: Invitae Variant Classification Sherloc (09022015). Collection method: clinical testing. Allele origin: germline.
Comment: In summary, the available evidence is currently insufficient to determine the role of this variant in disease. Therefore, it has been classified as a Variant of Uncertain Significance. This sequence change replaces isoleucine, which is neutral and non-polar, with asparagine, which is neutral and polar, at codon 184 of the PDE6C protein (p.Ile184Asn). This variant is not present in population databases (gnomAD no frequency). This missense change has been observed in individual(s) with clinical features of PDE6C-related conditions (Invitae). ClinVar contains an entry for this variant (Variation ID: 959342). Advanced modeling of protein sequence and biophysical properties (such as structural, functional, and spatial information, amino acid conservation, physicochemical variation, residue mobility, and thermodynamic stability) performed at Invitae indicates that this missense variant is expected to disrupt PDE6C protein function.

NM_006204.4(PDE6C):c.551T>A (p.Ile184Asn)

Gene: PDE6C (phosphodiesterase 6C; plus strand). Cytogenetic location: 10q23.33.
Variant type: single nucleotide variant.
Coding change: c.551T>A on transcript NM_006204.4 (MANE Select); coding-DNA position 551, T replaced by A.
Protein change: p.Ile184Asn; replaces isoleucine 184 with asparagine.
Molecular consequence: missense variant.
Genome position (GRCh38, 1-based): chr10:93,620,702, T>A. VCF-style: chr10-93620702-T-A. GRCh37 (hg19) VCF-style: chr10-95380459-T-A.
Other names: short protein forms I184N.
Identifiers: ClinVar variation 959342 (VCV000959342.8), dbSNP rs2058441485, ClinGen allele CA377626333.